The following is an entry in ClinVar:

ClinVar aggregate classification (germline): Pathogenic (1 of 4 stars; one submission).

Conditions:
Osteogenesis imperfecta type I (OI1). Also called: Lobstein's Disease; Lobstein disease; Osteogenesis imperfecta type 1; Classic Non-deforming Osteogenesis Imperfecta with Blue Sclerae; OI, TYPE I; OSTEOGENESIS IMPERFECTA TARDA. Identifiers: Orphanet 216796, Orphanet 666, MedGen C0023931, MONDO:0008146, OMIM 166200. Disease mechanism: loss of function.

Submission:

Labcorp Genetics (formerly Invitae), Labcorp
Classification: Pathogenic for Osteogenesis imperfecta type I. Last evaluated: 2023-11-04. Review status: criteria provided, single submitter. Criteria: Invitae Variant Classification Sherloc (09022015). Collection method: clinical testing. Allele origin: germline.
Comment: This sequence change creates a premature translational stop signal (p.Leu765Trpfs*11) in the COL1A1 gene. It is expected to result in an absent or disrupted protein product. Loss-of-function variants in COL1A1 are known to be pathogenic (PMID: 7942841, 9295084, 9443882). This variant is not present in population databases (gnomAD no frequency). This variant has not been reported in the literature in individuals affected with COL1A1-related conditions. For these reasons, this variant has been classified as Pathogenic.

Literature cited by the submitters: PubMed 7942841; PubMed 9295084; PubMed 9443882.

NM_000088.4(COL1A1):c.2293_2306del (p.Leu765fs)

Gene: COL1A1 (collagen type I alpha 1 chain; minus strand). Cytogenetic location: 17q21.33.
Variant type: Deletion.
Coding change: c.2293_2306del on transcript NM_000088.4 (MANE Select); coding-DNA positions 2293 to 2306, 14 bases deleted (CTGACTGGCCCCAT).
Protein change: p.Leu765fs; shifts the reading frame from leucine 765.
Molecular consequence: frameshift variant.
Genome position (GRCh38, 1-based): chr17:50,190,854-50,190,867, ATGGGGCCAGTCAG deleted on the plus strand (CTGACTGGCCCCAT on the coding strand, the reverse complement: COL1A1 is on the minus strand); deleting any 14 consecutive bases within chr17:50,190,854-50,190,868 gives the same sequence; the c. name uses the placement nearest the transcript's 3' end. VCF-style (leftmost placement, unchanged base first): chr17-50190853-AATGGGGCCAGTCAG-A. GRCh37 (hg19) VCF-style: chr17-48268214-AATGGGGCCAGTCAG-A.
Other names: short protein forms L765fs.
Identifiers: ClinVar variation 2693220 (VCV002693220.3), dbSNP rs2509193873, ClinGen allele CA2697560398.